The following is an entry in ClinVar:

ClinVar aggregate classification (germline): Likely benign. Review status: criteria provided, multiple submitters, no conflicts (2 of 4 stars). 2 submissions from 2 submitters: Likely benign (2). Last evaluated 2025-10-06.

Conditions:
DYRK1A-related intellectual disability syndrome (MRD7). Also called: Intellectual developmental disorder, autosomal dominant 7; DYRK1A Syndrome. Identifiers: Orphanet 464306, MedGen C5568143, MONDO:0013578, OMIM 614104.

gnomAD v4.1: 1 of 1,613,712 alleles (0.000062%); highest among the groups gnomAD compares: African/African-American, 0.0013%; no homozygotes.

Submissions (2):

Mayo Clinic Laboratories, Mayo Clinic
Classification: Likely benign. Last evaluated: 2025-10-06. Review status: criteria provided, single submitter. Criteria: ACMG Guidelines, 2015. Collection method: clinical testing. Allele origin: germline. Observed: 1 variant allele.
Comment: BP4, BP7

Labcorp Genetics (formerly Invitae), Labcorp
Classification: Likely benign for DYRK1A-related intellectual disability syndrome. Last evaluated: 2022-06-13. Review status: criteria provided, single submitter. Criteria: Invitae Variant Classification Sherloc (09022015). Collection method: clinical testing. Allele origin: germline.

NM_001347721.2(DYRK1A):c.771G>T (p.Ala257=)

Gene: DYRK1A (dual specificity tyrosine phosphorylation regulated kinase 1A; plus strand). Cytogenetic location: 21q22.13.
Variant type: single nucleotide variant.
Coding change: c.771G>T on transcript NM_001347721.2 (MANE Select); coding-DNA position 771, G replaced by T.
Protein change: p.Ala257=; no amino-acid change (alanine 257 retained).
Molecular consequence: synonymous variant.
Genome position (GRCh38, 1-based): chr21:37,490,308, G>T. VCF-style: chr21-37490308-G-T. GRCh37 (hg19) VCF-style: chr21-38862610-G-T.
Other names: p.Ala266=; c.771G>T, p.Ala257= (NM_001347722.2, NM_130436.2); c.684G>T, p.Ala228= (NM_001347723.2); c.798G>T, p.Ala266= (NM_001396.5, NM_101395.2, NM_130438.2); c.798G>T (NM_001396.4).
Identifiers: ClinVar variation 1544674 (VCV001544674.9), dbSNP rs774148181, ClinGen allele CA512327775.